The following is an entry in ClinVar:

ClinVar aggregate classification (germline): Uncertain significance (1 of 4 stars; one submission).

gnomAD v4.1: 21 of 1,612,602 alleles (0.0013%); highest among the groups gnomAD compares: South Asian, 0.0055%; no homozygotes.

Submission:

Labcorp Genetics (formerly Invitae), Labcorp
Classification: Uncertain significance. Last evaluated: 2025-02-26. Review status: criteria provided, single submitter. Criteria: Invitae Variant Classification Sherloc (09022015). Collection method: clinical testing. Allele origin: germline.
Comment: This sequence change replaces arginine, which is basic and polar, with histidine, which is basic and polar, at codon 434 of the FNIP1 protein (p.Arg434His). This variant is present in population databases (rs752619378, gnomAD 0.007%). This variant has not been reported in the literature in individuals affected with FNIP1-related conditions. An algorithm developed to predict the effect of missense changes on protein structure and function (PolyPhen-2) suggests that this variant is likely to be disruptive. In summary, the available evidence is currently insufficient to determine the role of this variant in disease. Therefore, it has been classified as a Variant of Uncertain Significance.

NM_133372.3(FNIP1):c.1301G>A (p.Arg434His)

Gene: FNIP1 (folliculin interacting protein 1; minus strand). Cytogenetic location: 5q31.1.
Variant type: single nucleotide variant.
Coding change: c.1301G>A on transcript NM_133372.3 (MANE Select); coding-DNA position 1301, G replaced by A.
Protein change: p.Arg434His; replaces arginine 434 with histidine.
Molecular consequence: missense variant.
Genome position (GRCh38, 1-based): chr5:131,679,077, C>T on the plus strand (G>A on the coding strand, the complement: FNIP1 is on the minus strand). VCF-style: chr5-131679077-C-T. GRCh37 (hg19) VCF-style: chr5-131014770-C-T.
Other names: c.1217G>A, p.Arg406His (NM_001008738.3); c.1301G>A, p.Arg434His (NM_001346113.2); c.1166G>A, p.Arg389His (NM_001346114.2); short protein forms R389H, R406H, R434H.
Identifiers: ClinVar variation 3615426 (VCV003615426.2).